The following is an entry in ClinVar:

ClinVar aggregate classification (germline): Uncertain significance. Review status: criteria provided, multiple submitters, no conflicts (2 of 4 stars). 2 submissions from 2 submitters: Uncertain significance (2). Last evaluated 2025-10-23.

Conditions:
Hereditary cancer-predisposing syndrome. Also called: Neoplastic Syndromes, Hereditary; Tumor predisposition; Hereditary Cancer Syndrome; Hereditary neoplastic syndrome. Identifiers: Orphanet 140162, MedGen C0027672, MeSH D009386, MONDO:0015356.
Tuberous sclerosis 2 (TSC2). Identifiers: Orphanet 805, MedGen C1860707, MONDO:0013199, OMIM 613254.

Allele frequency attached by ClinVar (database versions not stated): gnomAD exomes below 0.00001.
gnomAD v4.1: 1 of 1,611,334 alleles (0.000062%); highest among the groups gnomAD compares: Non-Finnish European, 0.000085%; no homozygotes.

Submissions (2):

Labcorp Genetics (formerly Invitae), Labcorp
Classification: Uncertain significance for Tuberous sclerosis 2. Last evaluated: 2025-10-23. Review status: criteria provided, single submitter. Criteria: Invitae Variant Classification Sherloc (09022015). Collection method: clinical testing. Allele origin: germline.
Comment: This sequence change replaces aspartic acid, which is acidic and polar, with asparagine, which is neutral and polar, at codon 1631 of the TSC2 protein (p.Asp1631Asn). This variant is not present in population databases (gnomAD no frequency). This variant has not been reported in the literature in individuals affected with TSC2-related conditions. ClinVar contains an entry for this variant (Variation ID: 1743866). Invitae Evidence Modeling of protein sequence and biophysical properties (such as structural, functional, and spatial information, amino acid conservation, physicochemical variation, residue mobility, and thermodynamic stability) has been performed for this missense variant. However, the output from this modeling did not meet the statistical confidence thresholds required to predict the impact of this variant on TSC2 protein function. In summary, the available evidence is currently insufficient to determine the role of this variant in disease. Therefore, it has been classified as a Variant of Uncertain Significance.

Ambry Genetics
Classification: Uncertain significance for Hereditary cancer-predisposing syndrome. Last evaluated: 2022-06-01. Review status: criteria provided, single submitter. Criteria: Ambry Variant Classification Scheme 2023. Collection method: clinical testing. Allele origin: germline.
Comment: The p.D1631N variant (also known as c.4891G>A), located in coding exon 37 of the TSC2 gene, results from a G to A substitution at nucleotide position 4891. The aspartic acid at codon 1631 is replaced by asparagine, an amino acid with highly similar properties. This amino acid position is conserved. In addition, the in silico prediction for this alteration is inconclusive. Since supporting evidence is limited at this time, the clinical significance of this alteration remains unclear.

NM_000548.5(TSC2):c.4891G>A (p.Asp1631Asn)

Gene: TSC2 (TSC complex subunit 2; plus strand). Cytogenetic location: 16p13.3.
Variant type: single nucleotide variant.
Coding change: c.4891G>A on transcript NM_000548.5 (MANE Select); coding-DNA position 4891, G replaced by A.
Protein change: p.Asp1631Asn; replaces aspartic acid 1631 with asparagine.
Molecular consequence: missense variant.
Genome position (GRCh38, 1-based): chr16:2,086,773, G>A. VCF-style: chr16-2086773-G-A. GRCh37 (hg19) VCF-style: chr16-2136774-G-A.
Other names: c.4723G>A, p.Asp1575Asn (NM_001318832.2); c.4693G>A, p.Asp1565Asn (NM_001363528.2); c.4759G>A, p.Asp1587Asn (NM_001370404.1); c.4762G>A, p.Asp1588Asn (NM_001370405.1, NM_021055.3); c.4888G>A, p.Asp1630Asn (NM_001406663.1); c.4819G>A, p.Asp1607Asn (NM_001406664.1); c.4813G>A, p.Asp1605Asn (NM_001406665.1); c.4291G>A, p.Asp1431Asn (NM_001406680.1); and 26 more; short protein forms D1116N, D1160N, D1365N, D1515N, D1560N, D1564N, D1571N, D1587N.
Identifiers: ClinVar variation 1743866 (VCV001743866.3), dbSNP rs2090855331, ClinGen allele CA394308385.